The following is an entry in ClinVar:

ClinVar aggregate classification (germline): Conflicting classifications of pathogenicity. Review status: criteria provided, conflicting classifications (1 of 4 stars). 8 submissions from 8 submitters: Uncertain significance (6); Likely benign (2). Last evaluated 2025-11-09.

Conditions:
Lynch syndrome. Identifiers: Orphanet 144, MedGen C4552100, MONDO:0005835. Disease mechanism: loss of function.
Lynch syndrome 5 (LYNCH5). Also called: Colorectal cancer, hereditary nonpolyposis, type 5; Hereditary non-polyposis colorectal cancer, type 5. Identifiers: Orphanet 144, MedGen C1833477, MONDO:0013710, OMIM 614350. Disease mechanism: loss of function.
Hereditary cancer-predisposing syndrome. Also called: Tumor predisposition; Hereditary Cancer Syndrome; Hereditary neoplastic syndrome; Neoplastic Syndromes, Hereditary. Identifiers: Orphanet 140162, MedGen C0027672, MeSH D009386, MONDO:0015356.
Hereditary nonpolyposis colorectal neoplasms. Identifiers: MedGen C0009405, MeSH D003123.
Endometrial carcinoma. Also called: Endometrial carcinoma, somatic. Identifiers: MedGen C0476089, MONDO:0002447, OMIM 608089, HP:0012114.

Allele frequency attached by ClinVar (database versions not stated): ExAC 0.00001; gnomAD exomes 0.00001.
gnomAD v4.1: 19 of 1,614,122 alleles (0.0012%); highest among the groups gnomAD compares: Non-Finnish European, 0.0016%; no homozygotes.

Submissions (8):

Labcorp Genetics (formerly Invitae), Labcorp
Classification: Likely benign for Hereditary nonpolyposis colorectal neoplasms. Last evaluated: 2025-11-09. Review status: criteria provided, single submitter. Criteria: Invitae Variant Classification Sherloc (09022015). Collection method: clinical testing. Allele origin: germline.

Myriad Genetics, Inc.
Classification: Likely benign for Lynch syndrome 5. Last evaluated: 2025-06-30. Review status: criteria provided, single submitter. Criteria: Myriad Autosomal Dominant, Autosomal Recessive and X-Linked Classification Criteria (2023). Collection method: clinical testing. Allele origin: unknown.
Comment: This variant is considered likely benign. This variant is strongly associated with less severe personal and family histories of cancer, typical for individuals without pathogenic variants in this gene [PMID: 27363726].

All of Us Research Program, National Institutes of Health
Classification: Uncertain significance for Lynch syndrome. Last evaluated: 2024-05-09. Review status: criteria provided, single submitter. Criteria: ACMG Guidelines, 2015. Collection method: clinical testing. Allele origin: germline. Inheritance: Autosomal dominant inheritance. Observed: 6 variant alleles, 6 heterozygotes.
Comment: This missense variant replaces isoleucine with valine at codon 425 of the MSH6 protein. Computational prediction is inconclusive regarding the impact of this variant on protein structure and function (internally defined REVEL score threshold 0.5 < inconclusive < 0.7, PMID: 27666373). To our knowledge, functional studies have not been reported for this variant. This variant has been reported in a family meeting Amsterdam I criteria for Lynch syndrome, but immunohistochemistry analysis of a carrier individual's tumor showed intact MSH6 protein expression and absent MLH1 protein expression (PMID: 15713769). This variant has been identified in 3/251344 chromosomes in the general population by the Genome Aggregation Database (gnomAD). The available evidence is insufficient to determine the role of this variant in disease conclusively. Therefore, this variant is classified as a Variant of Uncertain Significance.

This study involves interpretation of variants in research participants for the purpose of population health screening. Participant phenotype was not available at the time of variant classification. Additional details can be found in publication PMID: 35346344, PMCID: PMC8962531

GeneDx
Classification: Uncertain significance. Last evaluated: 2024-03-28. Review status: criteria provided, single submitter. Criteria: GeneDx Variant Classification Process June 2021. Collection method: clinical testing. Allele origin: germline. Affected: yes.
Comment: Not observed at significant frequency in large population cohorts (gnomAD); In silico analysis supports that this missense variant does not alter protein structure/function; This variant is associated with the following publications: (PMID: 23621914, 22290698, 17531815, 21120944, 15713769, 35449176)

Ambry Genetics
Classification: Uncertain significance for Hereditary cancer-predisposing syndrome. Last evaluated: 2024-02-27. Review status: criteria provided, single submitter. Criteria: Ambry Variant Classification Scheme 2023. Collection method: clinical testing. Allele origin: germline.
Comment: The p.I425V variant (also known as c.1273A>G), located in coding exon 4 of the MSH6 gene, results from an A to G substitution at nucleotide position 1273. The isoleucine at codon 425 is replaced by valine, an amino acid with highly similar properties. This alteration was detected in a family meeting Amsterdam I criteria for Lynch syndrome, however immunohistochemistry (IHC) analysis of the tumor from the individual found to carry this alteration showed intact MSH6 and absent MLH1 protein expression (Casey G et al. JAMA, 2005 Feb;293:799-809). This variant has also been identified in a cohort of 8085 Chinese breast cancer patients (Hu L et al. NPJ Breast Cancer, 2022 Apr;8:52). This amino acid position is not well conserved in available vertebrate species. In addition, the in silico prediction for this alteration is inconclusive. Based on the available evidence, the clinical significance of this alteration remains unclear.

Baylor Genetics
Classification: Uncertain significance for Endometrial carcinoma. Last evaluated: 2023-07-22. Review status: criteria provided, single submitter. Criteria: ACMG Guidelines, 2015. Collection method: clinical testing. Allele origin: unknown.

Color Diagnostics, LLC DBA Color Health
Classification: Uncertain significance for Hereditary cancer-predisposing syndrome. Last evaluated: 2023-01-04. Review status: criteria provided, single submitter. Criteria: ACMG Guidelines, 2015. Collection method: clinical testing. Allele origin: germline.
Comment: This missense variant replaces isoleucine with valine at codon 425 of the MSH6 protein. Computational prediction is inconclusive regarding the impact of this variant on protein structure and function (internally defined REVEL score threshold 0.5 < inconclusive < 0.7, PMID: 27666373). To our knowledge, functional studies have not been reported for this variant. This variant has been reported in a family meeting Amsterdam I criteria for Lynch syndrome, but immunohistochemistry analysis of a carrier individual's tumor showed intact MSH6 protein expression and absent MLH1 protein expression (PMID: 15713769). This variant has been identified in 3/251344 chromosomes in the general population by the Genome Aggregation Database (gnomAD). The available evidence is insufficient to determine the role of this variant in disease conclusively. Therefore, this variant is classified as a Variant of Uncertain Significance.

Department of Pathology and Laboratory Medicine, Sinai Health System
Classification: Uncertain significance for Lynch syndrome. Last evaluated: 2022-07-05. Review status: criteria provided, single submitter. Criteria: ACMG Guidelines, 2015. Collection method: clinical testing. Allele origin: germline. Affected: yes.

Literature cited by the submitters: PubMed 27363726 (cited by Myriad Genetics, Inc.); PubMed 15713769 (cited by 4 submitters); PubMed 22290698 (cited by Ambry Genetics); PubMed 35449176 (cited by Ambry Genetics).

NM_000179.3(MSH6):c.1273A>G (p.Ile425Val)

Gene: MSH6 (mutS homolog 6; plus strand). Cytogenetic location: 2p16.3.
Variant type: single nucleotide variant.
Coding change: c.1273A>G on transcript NM_000179.3 (MANE Select); coding-DNA position 1273, A replaced by G.
Protein change: p.Ile425Val; replaces isoleucine 425 with valine.
Molecular consequence: missense variant.
Genome position (GRCh38, 1-based): chr2:47,799,256, A>G. VCF-style: chr2-47799256-A-G. GRCh37 (hg19) VCF-style: chr2-48026395-A-G.
Other names: c.883A>G, p.Ile295Val (NM_001281492.2); c.367A>G, p.Ile123Val (NM_001281493.2, NM_001281494.2); short protein forms I425V, I123V, I295V.
Identifiers: ClinVar variation 89183 (VCV000089183.22), dbSNP rs63749971, ClinGen allele CA008413.
Genomic context (GRCh38, chr2:47,799,256, plus strand): 5'-TCTTGTACTCCTGGGATGAGGAAGTGGTGGCAGATTAAGTCTCAGAACTTTGATCTTGTC[A>G]TCTGTTACAAGGTGGGGAAATTTTATGAGCTGTACCACATGGATGCTCTTATTGGAGTCA-3'
Protein context (NP_000170.1, residues 415-435): QIKSQNFDLV[Ile425Val]CYKVGKFYEL